The following is an entry in ClinVar:

ClinVar aggregate classification (germline): Uncertain significance (1 of 4 stars; one submission).

gnomAD v4.1: 17 of 1,614,214 alleles (0.0011%); highest among the groups gnomAD compares: East Asian, 0.016%; no homozygotes.

Submission:

Labcorp Genetics (formerly Invitae), Labcorp
Classification: Uncertain significance. Last evaluated: 2024-04-29. Review status: criteria provided, single submitter. Criteria: Invitae Variant Classification Sherloc (09022015). Collection method: clinical testing. Allele origin: germline.
Comment: This sequence change replaces arginine, which is basic and polar, with histidine, which is basic and polar, at codon 852 of the NIN protein (p.Arg852His). This variant is present in population databases (rs773010615, gnomAD 0.02%). This variant has not been reported in the literature in individuals affected with NIN-related conditions. Algorithms developed to predict the effect of missense changes on protein structure and function output the following: SIFT: "Not Available"; PolyPhen-2: "Benign"; Align-GVGD: "Not Available". The histidine amino acid residue is found in multiple mammalian species, which suggests that this missense change does not adversely affect protein function. In summary, the available evidence is currently insufficient to determine the role of this variant in disease. Therefore, it has been classified as a Variant of Uncertain Significance.

NM_020921.4(NIN):c.2555G>A (p.Arg852His)

Gene: NIN (ninein; minus strand). Cytogenetic location: 14q22.1.
Variant type: single nucleotide variant.
Coding change: c.2555G>A on transcript NM_020921.4 (MANE Select); coding-DNA position 2555, G replaced by A.
Protein change: p.Arg852His; replaces arginine 852 with histidine.
Molecular consequence: missense variant. On other transcripts: intron variant (1).
Genome position (GRCh38, 1-based): chr14:50,758,475, C>T on the plus strand (G>A on the coding strand, the complement: NIN is on the minus strand). VCF-style: chr14-50758475-C-T. GRCh37 (hg19) VCF-style: chr14-51225193-C-T.
Other names: c.2555G>A, p.Arg852His (NM_182944.3, NM_182946.2); c.2399+1382G>A (NM_016350.5); short protein forms R852H.
Identifiers: ClinVar variation 3622327 (VCV003622327.2).
Genomic context (GRCh38, chr14:50,758,475, plus strand): 5'-GCTTCCGCACACTCCTGGGTGAGCTCGTCCTTCTCAAATTCCCACTGGGATTTCTCCTCA[C>T]GCTGCTGTTCCTGGAGGTCCTTCAGCTCTTGGCGGTAGCGCCCCTCCAGGCTTTGCAGAG-3'
Protein context (NP_065972.4, residues 842-862): QELKDLQEQQ[Arg852His]EEKSQWEFEK